The following is an entry in ClinVar:

ClinVar aggregate classification (germline): Uncertain significance (1 of 4 stars; one submission).

Submission:

GeneDx
Classification: Uncertain significance. Last evaluated: 2019-09-19. Review status: criteria provided, single submitter. Criteria: GeneDx Variant Classification Process June 2021. Collection method: clinical testing. Allele origin: germline. Affected: yes.
Comment: Not observed in large population cohorts (Lek et al., 2016); In silico analysis, which includes protein predictors and evolutionary conservation, supports that this variant does not alter protein structure/function; Has not been previously published as pathogenic or benign to our knowledge

NM_004974.4(KCNA2):c.1445G>C (p.Cys482Ser)

Gene: KCNA2 (potassium voltage-gated channel subfamily A member 2; minus strand). Cytogenetic location: 1p13.3.
Variant type: single nucleotide variant.
Coding change: c.1445G>C on transcript NM_004974.4 (MANE Select); coding-DNA position 1445, G replaced by C.
Protein change: p.Cys482Ser; replaces cysteine 482 with serine.
Molecular consequence: missense variant. On other transcripts: intron variant (1).
Genome position (GRCh38, 1-based): chr1:110,603,338, C>G on the plus strand (G>C on the coding strand, the complement: KCNA2 is on the minus strand). VCF-style: chr1-110603338-C-G. GRCh37 (hg19) VCF-style: chr1-111145960-C-G.
Other names: c.894+551G>C (NM_001204269.2); short protein forms C482S.
Identifiers: ClinVar variation 1312361 (VCV001312361.2), dbSNP rs1290617182, ClinGen allele CA341600243.